The following is an entry in ClinVar:

ClinVar aggregate classification (germline): Benign/Likely benign. Review status: criteria provided, multiple submitters, no conflicts (2 of 4 stars). 2 submissions from 2 submitters: Benign (1); Likely benign (1). Last evaluated 2025-09-29.

Conditions:
Intellectual disability, CASK-related, X-linked. Identifiers: MedGen CN043158.

Allele frequency attached by ClinVar (database versions not stated): gnomAD exomes 0.00001 and 0.00003; ExAC 0.00002; gnomAD 0.00005 and 0.00006; ESP Exome Variant Server 0.00009; TOPMed 0.00009.
gnomAD v4.1: 14 of 1,176,727 alleles (0.0012%); highest among the groups gnomAD compares: African/African-American, 0.023%; no homozygotes.

Submissions (2):

Labcorp Genetics (formerly Invitae), Labcorp
Classification: Benign for Intellectual disability, CASK-related, X-linked. Last evaluated: 2025-09-29. Review status: criteria provided, single submitter. Criteria: Invitae Variant Classification Sherloc (09022015). Collection method: clinical testing. Allele origin: germline.

GeneDx
Classification: Likely benign. Last evaluated: 2016-10-27. Review status: criteria provided, single submitter. Criteria: GeneDx Variant Classification (06012015). Collection method: clinical testing. Allele origin: germline. Affected: yes.
Comment: This variant is considered likely benign or benign based on one or more of the following criteria: it is a conservative change, it occurs at a poorly conserved position in the protein, it is predicted to be benign by multiple in silico algorithms, and/or has population frequency not consistent with disease.

NM_001367721.1(CASK):c.1503+15A>G

Gene: CASK (calcium/calmodulin dependent serine protein kinase; minus strand). Cytogenetic location: Xp11.4.
Variant type: single nucleotide variant.
Coding change: c.1503+15A>G on transcript NM_001367721.1 (MANE Select); 15 bases into the intron after coding-DNA position 1503, A replaced by G.
Molecular consequence: intron variant.
Genome position (GRCh38, 1-based): chrX:41,578,325, T>C on the plus strand (A>G on the coding strand, the complement: CASK is on the minus strand). VCF-style: chrX-41578325-T-C. GRCh37 (hg19) VCF-style: chrX-41437578-T-C.
Other names: c.1485+15A>G (NM_001126055.3, NM_001410745.1); c.1503+15A>G (NM_001126054.3, NM_003688.4).
Identifiers: ClinVar variation 390296 (VCV000390296.6), dbSNP rs371792840, ClinGen allele CA10390202.